The following is an entry in ClinVar:

NM_000051.4(ATM):c.1312A>G (p.Ile438Val)

Gene: ATM (ATM serine/threonine kinase; plus strand). Cytogenetic location: 11q22.3.
Variant type: single nucleotide variant.
Coding change: c.1312A>G on transcript NM_000051.4 (MANE Select); coding-DNA position 1312, A replaced by G.
Protein change: p.Ile438Val; replaces isoleucine 438 with valine.
Molecular consequence: missense variant.
Genome position (GRCh38, 1-based): chr11:108,250,777, A>G. VCF-style: chr11-108250777-A-G. GRCh37 (hg19) VCF-style: chr11-108121504-A-G.
Other names: c.1312A>G, p.Ile438Val (NM_001351834.2); short protein forms I438V.
Identifiers: ClinVar variation 1769695 (VCV001769695.2), dbSNP rs2497241114, ClinGen allele CA382533644.
Genomic context (GRCh38, chr11:108,250,777, plus strand): 5'-CAATTAATATCAAAGTATCCTGCAAGTTTACCTAACTGTGAGCTGTCTCCATTACTGATG[A>G]TACTATCTCAGCTTCTACCCCAACAGCGACATGGGGAACGTACACCATATGTGTTACGAT-3'
Protein context (NP_000042.3, residues 428-448): PNCELSPLLM[Ile438Val]LSQLLPQQRH

ClinVar aggregate classification (germline): Uncertain significance (1 of 4 stars; one submission).

Conditions:
Hereditary cancer-predisposing syndrome. Also called: Hereditary Cancer Syndrome; Hereditary neoplastic syndrome; Neoplastic Syndromes, Hereditary; Tumor predisposition. Identifiers: Orphanet 140162, MedGen C0027672, MeSH D009386, MONDO:0015356.

Submission:

Ambry Genetics
Classification: Uncertain significance for Hereditary cancer-predisposing syndrome. Last evaluated: 2020-02-03. Review status: criteria provided, single submitter. Criteria: Ambry Variant Classification Scheme 2023. Collection method: clinical testing. Allele origin: germline.
Comment: The p.I438V variant (also known as c.1312A>G), located in coding exon 9 of the ATM gene, results from an A to G substitution at nucleotide position 1312. The isoleucine at codon 438 is replaced by valine, an amino acid with highly similar properties. This amino acid position is not well conserved in available vertebrate species. In addition, this alteration is predicted to be tolerated by in silico analysis. Since supporting evidence is limited at this time, the clinical significance of this alteration remains unclear.